The following is an entry in ClinVar:

ClinVar aggregate classification (germline): Uncertain significance. Review status: criteria provided, multiple submitters, no conflicts (2 of 4 stars). 2 submissions from 2 submitters: Uncertain significance (2). Last evaluated 2025-10-31.

gnomAD v4.1: 7 of 1,614,158 alleles (0.00043%); highest among the groups gnomAD compares: African/African-American, 0.0013%; no homozygotes.

Submissions (2):

Labcorp Genetics (formerly Invitae), Labcorp
Classification: Uncertain significance. Last evaluated: 2025-10-31. Review status: criteria provided, single submitter. Criteria: Invitae Variant Classification Sherloc (09022015). Collection method: clinical testing. Allele origin: germline.
Comment: This sequence change replaces proline, which is neutral and non-polar, with leucine, which is neutral and non-polar, at codon 188 of the IRF4 protein (p.Pro188Leu). This variant is present in population databases (no rsID available, gnomAD 0.004%). This variant has not been reported in the literature in individuals affected with IRF4-related conditions. ClinVar contains an entry for this variant (Variation ID: 3861264). An algorithm developed to predict the effect of missense changes on protein structure and function (PolyPhen-2) suggests that this variant is likely to be tolerated. In summary, the available evidence is currently insufficient to determine the role of this variant in disease. Therefore, it has been classified as a Variant of Uncertain Significance.

Ambry Genetics
Classification: Uncertain significance. Last evaluated: 2024-12-31. Review status: criteria provided, single submitter. Criteria: Ambry Variant Classification Scheme 2023. Collection method: clinical testing. Allele origin: germline.

NM_002460.4(IRF4):c.563C>T (p.Pro188Leu)

Gene: IRF4 (interferon regulatory factor 4; plus strand). Cytogenetic location: 6p25.3.
Variant type: single nucleotide variant.
Coding change: c.563C>T on transcript NM_002460.4 (MANE Select); coding-DNA position 563, C replaced by T.
Protein change: p.Pro188Leu; replaces proline 188 with leucine.
Molecular consequence: missense variant. On other transcripts: non-coding transcript variant (1).
Genome position (GRCh38, 1-based): chr6:397,178, C>T. VCF-style: chr6-397178-C-T. GRCh37 (hg19) VCF-style: chr6-397178-C-T.
Other names: c.560C>T, p.Pro187Leu (NM_001195286.2); short protein forms P188L, P187L.
Identifiers: ClinVar variation 3861264 (VCV003861264.2).